The following is an entry in ClinVar:

ClinVar aggregate classification (germline): Pathogenic/Likely pathogenic. Review status: criteria provided, multiple submitters, no conflicts (2 of 4 stars). 3 submissions from 3 submitters: Pathogenic (2); Likely pathogenic (1). Last evaluated 2024-09-10.

Conditions:
PGM1-congenital disorder of glycosylation. Also called: PHOSPHOGLUCOMUTASE 1 DEFICIENCY; PGM1 DEFICIENCY; GLYCOGEN STORAGE DISEASE XIV; Congenital disorder of glycosylation type 1t; CDG It; GSD XIV. Identifiers: Orphanet 319646, MedGen C2752015, MONDO:0013968, OMIM 614921.

Allele frequency attached by ClinVar (database versions not stated): ExAC 0.00001; gnomAD exomes 0.00001; ESP Exome Variant Server 0.00008.
gnomAD v4.1: 21 of 1,614,046 alleles (0.0013%); highest among the groups gnomAD compares: Non-Finnish European, 0.0016%; no homozygotes.

Submissions (3):

3billion
Classification: Pathogenic for PGM1-congenital disorder of glycosylation. Last evaluated: 2024-09-10. Review status: criteria provided, single submitter. Criteria: ACMG Guidelines, 2015. Collection method: clinical testing. Allele origin: germline. Affected: yes.
Comment: The variant is observed at an extremely low frequency in the gnomAD v4.0.0 dataset (total allele frequency: 0.001%). Predicted Consequence/Location: Stop-gained (nonsense): predicted to result in a loss or disruption of normal protein function through nonsense-mediated decay (NMD) or protein truncation. Multiple pathogenic variants are reported downstream of the variant. The variant has been reported to be associated with PGM1 related disorder (ClinVar ID: VCV002149215). Therefore, this variant is classified as Pathogenic according to the recommendation of ACMG/AMP guideline.

Labcorp Genetics (formerly Invitae), Labcorp
Classification: Pathogenic for PGM1-congenital disorder of glycosylation. Last evaluated: 2022-09-02. Review status: criteria provided, single submitter. Criteria: Invitae Variant Classification Sherloc (09022015). Collection method: clinical testing. Allele origin: germline.
Comment: For these reasons, this variant has been classified as Pathogenic. This variant has not been reported in the literature in individuals affected with PGM1-related conditions. This variant is present in population databases (rs377295149, gnomAD 0.0009%). This sequence change creates a premature translational stop signal (p.Arg293*) in the PGM1 gene. It is expected to result in an absent or disrupted protein product. Loss-of-function variants in PGM1 are known to be pathogenic (PMID: 22492991).

Department of Pathology and Laboratory Medicine, Sinai Health System
Classification: Likely pathogenic for PGM1-congenital disorder of glycosylation. Last evaluated: 2022-05-18. Review status: criteria provided, single submitter. Criteria: ACMG Guidelines, 2015. Collection method: research. Allele origin: germline.

Literature cited by the submitters: PubMed 22492991 (cited by Labcorp Genetics (formerly Invitae), Labcorp).

NM_002633.3(PGM1):c.877C>T (p.Arg293Ter)

Gene: PGM1 (phosphoglucomutase 1; plus strand). Cytogenetic location: 1p31.3.
Variant type: single nucleotide variant.
Coding change: c.877C>T on transcript NM_002633.3 (MANE Select); coding-DNA position 877, C replaced by T.
Protein change: p.Arg293Ter; replaces arginine 293 with a stop codon.
Molecular consequence: nonsense.
Genome position (GRCh38, 1-based): chr1:63,636,237, C>T. VCF-style: chr1-63636237-C-T. GRCh37 (hg19) VCF-style: chr1-64101908-C-T.
Other names: c.931C>T, p.Arg311Ter (NM_001172818.1); c.286C>T, p.Arg96Ter (NM_001172819.2); short protein forms R311*, R96*, R293*.
Identifiers: ClinVar variation 2149215 (VCV002149215.6), dbSNP rs377295149, ClinGen allele CA889656.